The following is an entry in ClinVar:

ClinVar aggregate classification (germline): Uncertain significance (1 of 4 stars; one submission).

Submission:

Labcorp Genetics (formerly Invitae), Labcorp
Classification: Uncertain significance. Last evaluated: 2021-12-22. Review status: criteria provided, single submitter. Criteria: Invitae Variant Classification Sherloc (09022015). Collection method: clinical testing. Allele origin: germline.
Comment: This variant is a gross deletion of the genomic region encompassing exon(s) 4-7 of the MYO18B gene. This variant would be expected to be in-frame, preserving the integrity of the reading frame. This variant has not been reported in the literature in individuals affected with MYO18B-related conditions. Experimental studies and prediction algorithms are not available or were not evaluated, and the functional significance of this variant is currently unknown. In summary, the available evidence is currently insufficient to determine the role of this variant in disease. Therefore, it has been classified as a Variant of Uncertain Significance.

NC_000022.10:g.(?_26164062)_(26168497_?)del

Gene: MYO18B (myosin XVIIIB; plus strand). Cytogenetic location: 22q12.1.
Variant type: Deletion.
Identifiers: ClinVar variation 2427052 (VCV002427052.3).